The following is an entry in ClinVar:

NM_006348.5(COG5):c.437G>A (p.Arg146Gln)

Gene: COG5 (component of oligomeric golgi complex 5; minus strand). Cytogenetic location: 7q22.3.
Variant type: single nucleotide variant.
Coding change: c.437G>A on transcript NM_006348.5 (MANE Select); coding-DNA position 437, G replaced by A.
Protein change: p.Arg146Gln; replaces arginine 146 with glutamine.
Molecular consequence: missense variant. On other transcripts: intron variant (1).
Genome position (GRCh38, 1-based): chr7:107,527,338, C>T on the plus strand (G>A on the coding strand, the complement: COG5 is on the minus strand). VCF-style: chr7-107527338-C-T. GRCh37 (hg19) VCF-style: chr7-107167783-C-T.
Other names: c.437G>A, p.Arg146Gln (NM_001161520.2, NM_001379511.1, NM_001379512.1 and 4 more transcripts); c.234+30638G>A (NM_001379516.1); short protein forms R146Q.
Identifiers: ClinVar variation 2048918 (VCV002048918.5), dbSNP rs1424122009, ClinGen allele CA368828196.

ClinVar aggregate classification (germline): Uncertain significance (1 of 4 stars; one submission).

Conditions:
COG5-congenital disorder of glycosylation. Also called: CDG IIi; CONGENITAL DISORDER OF GLYCOSYLATION, TYPE IIi; COG5-CDG. Identifiers: Orphanet 263487, MedGen C3150876, MONDO:0013325, OMIM 613612.

Allele frequency attached by ClinVar (database versions not stated): TOPMed 0.00002.
gnomAD v4.1: 1 of 1,613,426 alleles (0.000062%); highest among the groups gnomAD compares: Non-Finnish European, 0.000085%; no homozygotes.

Submissions (2):

Labcorp Genetics (formerly Invitae), Labcorp
Classification: Uncertain significance for COG5-congenital disorder of glycosylation. Last evaluated: 2022-08-09. Review status: criteria provided, single submitter. Criteria: Invitae Variant Classification Sherloc (09022015). Collection method: clinical testing. Allele origin: germline.
Comment: This variant is not present in population databases (gnomAD no frequency). This variant has not been reported in the literature in individuals affected with COG5-related conditions. This sequence change replaces arginine, which is basic and polar, with glutamine, which is neutral and polar, at codon 177 of the COG5 protein (p.Arg177Gln). Algorithms developed to predict the effect of missense changes on protein structure and function are either unavailable or do not agree on the potential impact of this missense change (SIFT: "Tolerated"; PolyPhen-2: "Probably Damaging"; Align-GVGD: "Class C0"). In summary, the available evidence is currently insufficient to determine the role of this variant in disease. Therefore, it has been classified as a Variant of Uncertain Significance.

Dr. Peter K. Rogan Lab, Western University
No classification provided (evidence only). Condition: Cervical cancer. Review status: no classification provided. Collection method: in vitro. Allele origin: not applicable. Functional consequence: retained intron. Not counted in ClinVar's aggregate classification.